The following is an entry in ClinVar:

ClinVar aggregate classification (germline): Conflicting classifications of pathogenicity. Review status: criteria provided, conflicting classifications (1 of 4 stars). 3 submissions from 3 submitters: Uncertain significance (1); Likely benign (2). Last evaluated 2025-12-01.

Conditions:
ABCC6-related disorder. Also called: ABCC6-related condition.
Arterial calcification, generalized, of infancy, 2. Identifiers: Orphanet 51608, MedGen C3276161, MONDO:0013768, OMIM 614473.
Autosomal recessive inherited pseudoxanthoma elasticum (PXE). Identifiers: Orphanet 758, MedGen CN032334, MONDO:0009925, OMIM 264800.
Pseudoxanthoma elasticum, forme fruste. Also called: Pseudoxanthoma Elasticum, Incomplete; PSEUDOXANTHOMA ELASTICUM, HETEROZYGOUS. Identifiers: Orphanet 758, MedGen C1867450, MONDO:0008333, OMIM 177850.

Allele frequency attached by ClinVar (database versions not stated): TOPMed 0.00002; gnomAD exomes 0.00001; ExAC 0.00002; gnomAD 0.00004 and 0.00005.
gnomAD v4.1: 15 of 1,613,878 alleles (0.00093%); highest among the groups gnomAD compares: African/African-American, 0.0067%; no homozygotes.

Submissions (3):

PreventionGenetics, part of Exact Sciences
Classification: Uncertain significance for ABCC6-related condition. Last evaluated: 2025-12-01. Review status: criteria provided, single submitter. Criteria: ACMG Guidelines, 2015. Collection method: clinical testing. Allele origin: germline.
Comment: The ABCC6 c.2058C>T variant is not predicted to result in an amino acid change (p.=). This variant is predicted to impact splicing based off of one splicing algorithm (Jaganathan et al. 2019. PubMed ID: 30661751). To our knowledge, this variant has not been reported in the literature. This variant is reported in 0.012% of alleles in individuals of African descent in gnomAD. At this time, the clinical significance of this variant is uncertain due to the absence of conclusive functional and genetic evidence.

Labcorp Genetics (formerly Invitae), Labcorp
Classification: Likely benign. Last evaluated: 2024-10-22. Review status: criteria provided, single submitter. Criteria: Invitae Variant Classification Sherloc (09022015). Collection method: clinical testing. Allele origin: germline.

Fulgent Genetics
Classification: Likely benign for Pseudoxanthoma elasticum, forme fruste; Autosomal recessive inherited pseudoxanthoma elasticum; Arterial calcification, generalized, of infancy, 2. Last evaluated: 2022-03-31. Review status: criteria provided, single submitter. Criteria: ACMG Guidelines, 2015. Collection method: clinical testing. Allele origin: unknown.

NM_001171.6(ABCC6):c.2058C>T (p.Phe686=)

Gene: ABCC6 (ATP binding cassette subfamily C member 6; minus strand). Cytogenetic location: 16p13.11.
Variant type: single nucleotide variant.
Coding change: c.2058C>T on transcript NM_001171.6 (MANE Select); coding-DNA position 2058, C replaced by T.
Protein change: p.Phe686=; no amino-acid change (phenylalanine 686 retained).
Molecular consequence: synonymous variant. On other transcripts: non-coding transcript variant (1).
Genome position (GRCh38, 1-based): chr16:16,182,816, G>A on the plus strand (C>T on the coding strand, the complement: ABCC6 is on the minus strand). VCF-style: chr16-16182816-G-A. GRCh37 (hg19) VCF-style: chr16-16276673-G-A.
Other names: c.1716C>T, p.Phe572= (NM_001351800.1).
Identifiers: ClinVar variation 745039 (VCV000745039.9), dbSNP rs57866002, ClinGen allele CA7926043.
Genomic context (GRCh38, chr16:16,182,816, plus strand): 5'-ACTTTCAGGATGGGGACATCCTAGCAGACAGGCTGGGGGTGGCCTCACCTCGATGCTCAC[G>A]AACCCCTCCACCTTTGACAGCTCCCCAAGGAGGGCGGACAGCAGGGAGGACTTCCCTGCC-3'
Protein context (NP_001162.5, residues 676-696): LLGELSKVEG[Phe686=]VSIEGAVAYV